The following is an entry in ClinVar:

ClinVar aggregate classification (germline): Uncertain significance (1 of 4 stars; one submission).

Submission:

Labcorp Genetics (formerly Invitae), Labcorp
Classification: Uncertain significance. Last evaluated: 2025-10-26. Review status: criteria provided, single submitter. Criteria: Invitae Variant Classification Sherloc (09022015). Collection method: clinical testing. Allele origin: germline.
Comment: This sequence change creates a premature translational stop signal (p.Glu673Argfs*48) in the SCN3A gene. It is expected to result in an absent or disrupted protein product. However, the current clinical and genetic evidence is not sufficient to establish whether loss-of-function variants in SCN3A cause disease. This variant is not present in population databases (gnomAD no frequency). This variant has not been reported in the literature in individuals affected with SCN3A-related conditions. In summary, the available evidence is currently insufficient to determine the role of this variant in disease. Therefore, it has been classified as a Variant of Uncertain Significance.

NM_006922.4(SCN3A):c.2015dup (p.Glu673fs)

Gene: SCN3A (sodium voltage-gated channel alpha subunit 3; minus strand). Cytogenetic location: 2q24.3.
Variant type: Duplication.
Coding change: c.2015dup on transcript NM_006922.4 (MANE Select); coding-DNA position 2015, one base duplicated (C; older notation c.2015dupC).
Protein change: p.Glu673fs; shifts the reading frame from glutamic acid 673.
Molecular consequence: frameshift variant. On other transcripts: intron variant (2).
Genome position (GRCh38, 1-based): chr2:165,140,655, G duplicated on the plus strand (C on the coding strand, the reverse complement: SCN3A is on the minus strand); the first of 5 consecutive G bases (chr2:165,140,655-165,140,659); duplicating any one gives the same sequence. VCF-style (leftmost placement, unchanged base first): chr2-165140654-T-TG. GRCh37 (hg19) VCF-style: chr2-165997164-T-TG.
Other names: c.1872+143dup (NM_001081676.2, NM_001081677.2); short protein forms E673fs.
Identifiers: ClinVar variation 4777000 (VCV004777000.1).